The following is an entry in ClinVar:

NM_004656.4(BAP1):c.1357A>G (p.Lys453Glu)

Gene: BAP1 (BRCA1 associated deubiquitinase 1; minus strand). Cytogenetic location: 3p21.1.
Variant type: single nucleotide variant.
Coding change: c.1357A>G on transcript NM_004656.4 (MANE Select); coding-DNA position 1357, A replaced by G.
Protein change: p.Lys453Glu; replaces lysine 453 with glutamic acid.
Molecular consequence: missense variant.
Genome position (GRCh38, 1-based): chr3:52,403,788, T>C on the plus strand (A>G on the coding strand, the complement: BAP1 is on the minus strand). VCF-style: chr3-52403788-T-C. GRCh37 (hg19) VCF-style: chr3-52437804-T-C.
Other names: c.1357A>G (NM_004656.2); short protein forms K453E.
Identifiers: ClinVar variation 1519357 (VCV001519357.7), dbSNP rs1394176642, ClinGen allele CA353101862.

ClinVar aggregate classification (germline): Uncertain significance. Review status: criteria provided, multiple submitters, no conflicts (2 of 4 stars). 2 submissions from 2 submitters: Uncertain significance (2). Last evaluated 2025-05-18.

Conditions:
Hereditary cancer-predisposing syndrome. Also called: Hereditary neoplastic syndrome; Hereditary Cancer Syndrome; Tumor predisposition; Neoplastic Syndromes, Hereditary. Identifiers: Orphanet 140162, MedGen C0027672, MeSH D009386, MONDO:0015356.
BAP1-related tumor predisposition syndrome (TPDS1). Also called: TUMOR PREDISPOSITION SYNDROME 1; BAP1 tumor predisposition syndrome; Tumor susceptibility linked to germline BAP1 mutations; COMMON Syndrome. Identifiers: Orphanet 289539, MedGen C3280492, MONDO:0013692, OMIM 614327.

Allele frequency attached by ClinVar (database versions not stated): TOPMed below 0.00001.

Submissions (2):

Labcorp Genetics (formerly Invitae), Labcorp
Classification: Uncertain significance for BAP1-related tumor predisposition syndrome. Last evaluated: 2025-05-18. Review status: criteria provided, single submitter. Criteria: Invitae Variant Classification Sherloc (09022015). Collection method: clinical testing. Allele origin: germline.
Comment: This sequence change replaces lysine, which is basic and polar, with glutamic acid, which is acidic and polar, at codon 453 of the BAP1 protein (p.Lys453Glu). This variant is not present in population databases (gnomAD no frequency). This variant has not been reported in the literature in individuals affected with BAP1-related conditions. ClinVar contains an entry for this variant (Variation ID: 1519357). Invitae Evidence Modeling of protein sequence and biophysical properties (such as structural, functional, and spatial information, amino acid conservation, physicochemical variation, residue mobility, and thermodynamic stability) indicates that this missense variant is not expected to disrupt BAP1 protein function with a negative predictive value of 80%. In summary, the available evidence is currently insufficient to determine the role of this variant in disease. Therefore, it has been classified as a Variant of Uncertain Significance.

Ambry Genetics
Classification: Uncertain significance for Hereditary cancer-predisposing syndrome. Last evaluated: 2024-06-16. Review status: criteria provided, single submitter. Criteria: Ambry Variant Classification Scheme 2023. Collection method: clinical testing. Allele origin: germline.
Comment: The p.K453E variant (also known as c.1357A>G), located in coding exon 13 of the BAP1 gene, results from an A to G substitution at nucleotide position 1357. The lysine at codon 453 is replaced by glutamic acid, an amino acid with similar properties. This amino acid position is conserved. In addition, this alteration is predicted to be tolerated by in silico analysis. Based on the available evidence, the clinical significance of this variant remains unclear.